The following is an entry in ClinVar:

NM_001082538.3(TCTN1):c.1677G>A (p.Ala559=)

Gene: TCTN1 (tectonic family member 1; plus strand). Cytogenetic location: 12q24.11.
Variant type: single nucleotide variant.
Coding change: c.1677G>A on transcript NM_001082538.3 (MANE Select); coding-DNA position 1677, G replaced by A.
Protein change: p.Ala559=; no amino-acid change (alanine 559 retained).
Molecular consequence: synonymous variant. On other transcripts: non-coding transcript variant (1).
Genome position (GRCh38, 1-based): chr12:110,647,790, G>A. VCF-style: chr12-110647790-G-A. GRCh37 (hg19) VCF-style: chr12-111085595-G-A.
Other names: c.1662G>A, p.Ala554= (NM_001082537.3); c.1494G>A, p.Ala498= (NM_001173975.3); c.1350G>A, p.Ala450= (NM_001173976.2); c.1515G>A, p.Ala505= (NM_001319680.2); c.1128G>A, p.Ala376= (NM_001319681.2); c.1620G>A, p.Ala540= (NM_024549.6).
Identifiers: ClinVar variation 2932159 (VCV002932159.2), dbSNP rs762038128, ClinGen allele CA6786977.
Genomic context (GRCh38, chr12:110,647,790, plus strand): 5'-ATCTCTCTGTTTATTACAGGCCAACTCAGGAAATGAAAGGACGATTCTTATTTCCACTGC[G>A]GTTACTTTTGTGGATGTGTCTGCACCTGCAGAGGCAGGCTTCAGAGCTCCACCAGCCATC-3'
Protein context (NP_001076007.1, residues 549-569): GNERTILIST[Ala559=]VTFVDVSAPA

ClinVar aggregate classification (germline): Uncertain significance (1 of 4 stars; one submission).

Conditions:
Joubert syndrome. Also called: CEREBELLOPARENCHYMAL DISORDER IV; JOUBERT-BOLTSHAUSER SYNDROME; Familial aplasia of the vermis. Identifiers: Orphanet 475, MedGen C5979921, MONDO:0018772.
Meckel-Gruber syndrome. Also called: DYSENCEPHALIA SPLANCHNOCYSTICA; GRUBER SYNDROME; Dysencephalia splachnocystica. Identifiers: Orphanet 564, MedGen C0265215, MONDO:0018921.

Allele frequency attached by ClinVar (database versions not stated): gnomAD 0.00001; gnomAD exomes 0.00001; ExAC 0.00002; TOPMed 0.00002.
gnomAD v4.1: 19 of 1,614,044 alleles (0.0012%); highest among the groups gnomAD compares: Admixed American, 0.0017%; no homozygotes.

Submission:

Labcorp Genetics (formerly Invitae), Labcorp
Classification: Uncertain significance for Joubert syndrome; Meckel-Gruber syndrome. Last evaluated: 2023-03-09. Review status: criteria provided, single submitter. Criteria: Invitae Variant Classification Sherloc (09022015). Collection method: clinical testing. Allele origin: germline.
Comment: In summary, the available evidence is currently insufficient to determine the role of this variant in disease. Therefore, it has been classified as a Variant of Uncertain Significance. Algorithms developed to predict the effect of sequence changes on RNA splicing suggest that this variant may create or strengthen a splice site. This variant has not been reported in the literature in individuals affected with TCTN1-related conditions. This variant is present in population databases (rs762038128, gnomAD 0.003%). This sequence change affects codon 559 of the TCTN1 mRNA. It is a 'silent' change, meaning that it does not change the encoded amino acid sequence of the TCTN1 protein.